The following is an entry in ClinVar:

ClinVar aggregate classification (germline): Uncertain significance. Review status: criteria provided, multiple submitters, no conflicts (2 of 4 stars). 2 submissions from 2 submitters: Uncertain significance (2). Last evaluated 2025-11-13.

Conditions:
Inborn genetic diseases. Identifiers: MedGen C0950123, MeSH D030342.

gnomAD v4.1: 4 of 1,532,930 alleles (0.00026%); highest among the groups gnomAD compares: East Asian, 0.0024%; no homozygotes.

Submissions (2):

Ambry Genetics
Classification: Uncertain significance for Inborn genetic diseases. Last evaluated: 2025-11-13. Review status: criteria provided, single submitter. Criteria: Ambry Variant Classification Scheme 2023. Collection method: clinical testing. Allele origin: germline.

Labcorp Genetics (formerly Invitae), Labcorp
Classification: Uncertain significance. Last evaluated: 2024-02-26. Review status: criteria provided, single submitter. Criteria: Invitae Variant Classification Sherloc (09022015). Collection method: clinical testing. Allele origin: germline.
Comment: This sequence change replaces arginine, which is basic and polar, with glutamine, which is neutral and polar, at codon 52 of the NEFH protein (p.Arg52Gln). This variant is present in population databases (no rsID available, gnomAD 0.01%). This variant has not been reported in the literature in individuals affected with NEFH-related conditions. Advanced modeling of protein sequence and biophysical properties (such as structural, functional, and spatial information, amino acid conservation, physicochemical variation, residue mobility, and thermodynamic stability) performed at Invitae indicates that this missense variant is not expected to disrupt NEFH protein function with a negative predictive value of 95%. In summary, the available evidence is currently insufficient to determine the role of this variant in disease. Therefore, it has been classified as a Variant of Uncertain Significance.

NM_021076.4(NEFH):c.155G>A (p.Arg52Gln)

Gene: NEFH (neurofilament heavy chain; plus strand). Cytogenetic location: 22q12.2.
Variant type: single nucleotide variant.
Coding change: c.155G>A on transcript NM_021076.4 (MANE Select); coding-DNA position 155, G replaced by A.
Protein change: p.Arg52Gln; replaces arginine 52 with glutamine.
Molecular consequence: missense variant.
Genome position (GRCh38, 1-based): chr22:29,480,417, G>A. VCF-style: chr22-29480417-G-A. GRCh37 (hg19) VCF-style: chr22-29876406-G-A.
Other names: c.155G>A (NM_021076.3); short protein forms R52Q.
Identifiers: ClinVar variation 2876439 (VCV002876439.4), dbSNP rs748378831, ClinGen allele CA411121659.